The following is an entry in ClinVar:

NM_002017.5(FLI1):c.481A>G (p.Asn161Asp)

Gene: FLI1 (Fli-1 proto-oncogene, ETS transcription factor; plus strand). Cytogenetic location: 11q24.3.
Variant type: single nucleotide variant.
Coding change: c.481A>G on transcript NM_002017.5 (MANE Select); coding-DNA position 481, A replaced by G.
Protein change: p.Asn161Asp; replaces asparagine 161 with aspartic acid.
Molecular consequence: missense variant. On other transcripts: intron variant (1).
Genome position (GRCh38, 1-based): chr11:128,772,877, A>G. VCF-style: chr11-128772877-A-G. GRCh37 (hg19) VCF-style: chr11-128642772-A-G.
Other names: c.382A>G, p.Asn128Asp (NM_001167681.3); c.283A>G, p.Asn95Asp (NM_001271010.2); c.11-9081A>G (NM_001271012.2); short protein forms N128D, N161D, N95D.
Identifiers: ClinVar variation 2809682 (VCV002809682.3), dbSNP rs2497358958, ClinGen allele CA383236874.

ClinVar aggregate classification (germline): Uncertain significance (1 of 4 stars; one submission).

Submission:

Labcorp Genetics (formerly Invitae), Labcorp
Classification: Uncertain significance. Last evaluated: 2024-10-23. Review status: criteria provided, single submitter. Criteria: Invitae Variant Classification Sherloc (09022015). Collection method: clinical testing. Allele origin: germline.
Comment: This sequence change replaces asparagine, which is neutral and polar, with aspartic acid, which is acidic and polar, at codon 161 of the FLI1 protein (p.Asn161Asp). This variant is not present in population databases (gnomAD no frequency). This variant has not been reported in the literature in individuals affected with FLI1-related conditions. Invitae Evidence Modeling of protein sequence and biophysical properties (such as structural, functional, and spatial information, amino acid conservation, physicochemical variation, residue mobility, and thermodynamic stability) indicates that this missense variant is not expected to disrupt FLI1 protein function with a negative predictive value of 80%. In summary, the available evidence is currently insufficient to determine the role of this variant in disease. Therefore, it has been classified as a Variant of Uncertain Significance.